The following is an entry in ClinVar:

ClinVar aggregate classification (germline): Likely benign (1 of 4 stars; one submission).

Allele frequency attached by ClinVar (database versions not stated): 1000 Genomes Project 30x 0.00125.

Submission:

CeGaT Center for Human Genetics Tuebingen
Classification: Likely benign. Last evaluated: 2026-09-01. Review status: criteria provided, single submitter. Criteria: CeGaT Center For Human Genetics Tuebingen Variant Classification Criteria Version 2. Collection method: clinical testing. Allele origin: germline. Affected: yes. Observed: 4 variant alleles.
Comment: MUC21: BP4, BP7

NM_001010909.5(MUC21):c.1032A>T (p.Thr344=)

Genes: MUC21 (mucin 21, cell surface associated; plus strand), LOC126859647 (CDK7 strongly-dependent group 2 enhancer GRCh37_chr6:30954612-30955811; plus strand). Cytogenetic location: 6p21.33.
Variant type: single nucleotide variant.
Coding change: c.1032A>T on transcript NM_001010909.5 (MANE Select); coding-DNA position 1032, A replaced by T.
Protein change: p.Thr344=; no amino-acid change (threonine 344 retained).
Molecular consequence: synonymous variant. On other transcripts: non-coding transcript variant (1).
Genome position (GRCh38, 1-based): chr6:30,987,207, A>T. VCF-style: chr6-30987207-A-T. GRCh37 (hg19) VCF-style: chr6-30954984-A-T.
Other names: c.1122A>T, p.Thr374= (NM_001322370.2, NM_001322371.2).
Identifiers: ClinVar variation 2656369 (VCV002656369.24), dbSNP rs143285802, ClinGen allele CA136800498.